The following is an entry in ClinVar:

ClinVar aggregate classification (germline): Uncertain significance. Review status: criteria provided, multiple submitters, no conflicts (2 of 4 stars). 3 submissions from 3 submitters: Uncertain significance (3). Last evaluated 2026-04-15.

Conditions:
Frontotemporal dementia and/or amyotrophic lateral sclerosis 4. Also called: FTDALS4. Identifiers: Orphanet 275872, MedGen C4225325, MONDO:0014641, OMIM 616439.

Allele frequency attached by ClinVar (database versions not stated): gnomAD 0.00005; TOPMed 0.00007; ExAC 0.00008; 1000 Genomes Project 30x 0.00016; gnomAD exomes 0.00004; 1000 Genomes Project 0.00020.
gnomAD v4.1: 99 of 1,568,124 alleles (0.0063%); highest among the groups gnomAD compares: African/African-American, 0.014%; no homozygotes.

Submissions (3):

GeneDx
Classification: Uncertain significance. Last evaluated: 2026-04-15. Review status: criteria provided, single submitter. Criteria: GeneDx Variant Classification Process June 2021. Collection method: clinical testing. Allele origin: germline.
Comment: Reported as a variant of uncertain significance in two related individuals with amyotrophic lateral sclerosis (ALS); however, further clinical details and segregation data were not provided. One individual also harbored additional variants that may be contributing to their presentation (PMID: 37197644); In silico analysis supports that this missense variant has a deleterious effect on protein structure/function; This variant is associated with the following publications: (PMID: 25700176, 37197644)

Labcorp Genetics (formerly Invitae), Labcorp
Classification: Uncertain significance for Frontotemporal dementia and/or amyotrophic lateral sclerosis 4. Last evaluated: 2024-12-23. Review status: criteria provided, single submitter. Criteria: Invitae Variant Classification Sherloc (09022015). Collection method: clinical testing. Allele origin: germline.
Comment: This sequence change replaces arginine, which is basic and polar, with histidine, which is basic and polar, at codon 573 of the TBK1 protein (p.Arg573His). This variant is present in population databases (rs186475789, gnomAD 0.01%). This variant has been reported in the amyotrophic lateral sclerosis variant database (PMID: 25700176). ClinVar contains an entry for this variant (Variation ID: 475936). An algorithm developed to predict the effect of missense changes on protein structure and function (PolyPhen-2) suggests that this variant is likely to be disruptive. This variant disrupts the p.Arg573 amino acid residue in TBK1. Other variant(s) that disrupt this residue have been determined to be pathogenic (PMID: 28365590). This suggests that this residue is clinically significant, and that variants that disrupt this residue are likely to be disease-causing. In summary, the available evidence is currently insufficient to determine the role of this variant in disease. Therefore, it has been classified as a Variant of Uncertain Significance.

Blueprint Genetics
Classification: Uncertain significance. Last evaluated: 2024-06-03. Review status: criteria provided, single submitter. Criteria: ACMG Guidelines, 2015. Collection method: clinical testing. Allele origin: germline.

Literature cited by the submitters: PubMed 25700176 (cited by Labcorp Genetics (formerly Invitae), Labcorp); PubMed 28365590 (cited by Labcorp Genetics (formerly Invitae), Labcorp).

NM_013254.4(TBK1):c.1718G>A (p.Arg573His)

Gene: TBK1 (TANK binding kinase 1; plus strand). Cytogenetic location: 12q14.2.
Variant type: single nucleotide variant.
Coding change: c.1718G>A on transcript NM_013254.4 (MANE Select); coding-DNA position 1718, G replaced by A.
Protein change: p.Arg573His; replaces arginine 573 with histidine.
Molecular consequence: missense variant.
Genome position (GRCh38, 1-based): chr12:64,495,773, G>A. VCF-style: chr12-64495773-G-A. GRCh37 (hg19) VCF-style: chr12-64889553-G-A.
Other names: c.1718G>A, p.Arg573His (LRG_1306t1); short protein forms R573H.
Identifiers: ClinVar variation 475936 (VCV000475936.11), dbSNP rs186475789, ClinGen allele CA6669134.
Genomic context (GRCh38, chr12:64,495,773, plus strand): 5'-AAGTCCTGTTAAATTGCATGACAGAGATTTACTATCAGTTCAAAAAAGACAAAGCAGAAC[G>A]TAGTAAGTAAAATTTGCTATTTGTTAATTTAATAAATCCCTCTTAGTAATTAGTTATAAT-3'
Protein context (NP_037386.1, residues 563-583): YYQFKKDKAE[Arg573His]RLAYNEEQIH